The following is an entry in ClinVar:

ClinVar aggregate classification (germline): Benign/Likely benign. Review status: criteria provided, multiple submitters, no conflicts (2 of 4 stars). 6 submissions from 6 submitters: Benign (1); Likely benign (5). Last evaluated 2026-01-15.

Conditions:
Leukodystrophy, hypomyelinating, 7, with or without oligodontia and/or hypogonadotropic hypogonadism (HLD7). Also called: LEUKODYSTROPHY, HYPOMYELINATING, 7, WITH OLIGODONTIA; LEUKODYSTROPHY, HYPOMYELINATING, 7, WITH OLIGODONTIA AND HYPOGONADOTROPIC HYPOGONADISM; LEUKODYSTROPHY, HYPOMYELINATING, 7, WITHOUT OLIGODONTIA OR HYPOGONADOTROPIC HYPOGONADISM; LEUKOENCEPHALOPATHY, HYPOMYELINATING, WITH ATAXIA AND DELAYED DENTITION; ATAXIA, DELAYED DENTITION, AND HYPOMYELINATION; Ataxia, Delayed Dentition and Hypomyelination (ADDH). Identifiers: Orphanet 137639, Orphanet 447893, Orphanet 447896, Orphanet 77295, Orphanet 88637, MedGen CN034185, MONDO:0011897, OMIM 607694.

Allele frequency attached by ClinVar (database versions not stated): 1000 Genomes Project 0.00479; gnomAD exomes 0.00022 and 0.00067; ExAC 0.00075; gnomAD 0.00204 and 0.00210; TOPMed 0.00224; ESP Exome Variant Server 0.00284; 1000 Genomes Project 30x 0.00468.
gnomAD v4.1: 649 of 1,614,108 alleles (0.04%); highest among the groups gnomAD compares: African/African-American, 0.75%; 4 homozygotes.

Submissions (6):

Labcorp Genetics (formerly Invitae), Labcorp
Classification: Benign. Last evaluated: 2026-01-15. Review status: criteria provided, single submitter. Criteria: Invitae Variant Classification Sherloc (09022015). Collection method: clinical testing. Allele origin: germline.

CeGaT Center for Human Genetics Tuebingen
Classification: Likely benign. Last evaluated: 2025-10-01. Review status: criteria provided, single submitter. Criteria: CeGaT Center For Human Genetics Tuebingen Variant Classification Criteria Version 2. Collection method: clinical testing. Allele origin: germline. Affected: yes. Observed: 2 variant alleles.
Comment: POLR3A: BP4, BS2

Mayo Clinic Laboratories, Mayo Clinic
Classification: Likely benign. Last evaluated: 2025-08-04. Review status: criteria provided, single submitter. Criteria: ACMG Guidelines, 2015. Collection method: clinical testing. Allele origin: germline. Observed: 1 variant allele.
Comment: BS1, BP4, BP7

Blueprint Genetics
Classification: Likely benign. Last evaluated: 2024-08-28. Review status: criteria provided, single submitter. Criteria: ACMG Guidelines, 2015. Collection method: clinical testing. Allele origin: germline.

Illumina Laboratory Services, Illumina
Classification: Likely benign for Leukodystrophy, hypomyelinating, 7, with or without oligodontia and/or hypogonadotropic hypogonadism. Last evaluated: 2018-01-12. Review status: criteria provided, single submitter. Criteria: ICSL Variant Classification Criteria 13 December 2019. Collection method: clinical testing. Allele origin: germline.
Comment: This variant was observed in the ICSL laboratory as part of a predisposition screen in an ostensibly healthy population. It had not been previously curated by ICSL or reported in the Human Gene Mutation Database (HGMD: prior to June 1st, 2018), and was therefore a candidate for classification through an automated scoring system. Utilizing variant allele frequency, disease prevalence and penetrance estimates, and inheritance mode, an automated score was calculated to assess if this variant is too frequent to cause the disease. Based on the score and internal cut-off values, a variant classified as likely benign is not then subjected to further curation. The score for this variant resulted in a classification of likely benign for this disease.

Breakthrough Genomics
Classification: Likely benign. Review status: criteria provided, single submitter. Criteria: ACMG Guidelines, 2015. Collection method: not provided. Allele origin: germline. Inheritance: Autosomal recessive inheritance. Affected: yes.

NM_007055.4(POLR3A):c.2580C>T (p.Asp860=)

Gene: POLR3A (RNA polymerase III subunit A; minus strand). Cytogenetic location: 10q22.3.
Variant type: single nucleotide variant.
Coding change: c.2580C>T on transcript NM_007055.4 (MANE Select); coding-DNA position 2580, C replaced by T.
Protein change: p.Asp860=; no amino-acid change (aspartic acid 860 retained).
Molecular consequence: synonymous variant.
Genome position (GRCh38, 1-based): chr10:78,000,017, G>A on the plus strand (C>T on the coding strand, the complement: POLR3A is on the minus strand). VCF-style: chr10-78000017-G-A. GRCh37 (hg19) VCF-style: chr10-79759775-G-A.
Other names: p.Asp860=.
Identifiers: ClinVar variation 301055 (VCV000301055.28), dbSNP rs77055595, ClinGen allele CA5571084.